The following is an entry in ClinVar:

NM_022367.4(SEMA4A):c.1168A>G (p.Thr390Ala)

Gene: SEMA4A (semaphorin 4A; plus strand). Cytogenetic location: 1q22.
Variant type: single nucleotide variant.
Coding change: c.1168A>G on transcript NM_022367.4 (MANE Select); coding-DNA position 1168, A replaced by G.
Protein change: p.Thr390Ala; replaces threonine 390 with alanine.
Molecular consequence: missense variant.
Genome position (GRCh38, 1-based): chr1:156,172,859, A>G. VCF-style: chr1-156172859-A-G. GRCh37 (hg19) VCF-style: chr1-156142650-A-G.
Other names: c.1168A>G, p.Thr390Ala (NM_001193300.2, NM_001193301.2, NM_001370567.1); c.772A>G, p.Thr258Ala (NM_001193302.2); c.871A>G, p.Thr291Ala (NM_001370568.1); c.661A>G, p.Thr221Ala (NM_001370569.1, NM_001370571.1); short protein forms T390A, T258A, T291A, T221A.
Identifiers: ClinVar variation 2281572 (VCV002281572.7), dbSNP rs1002202960, ClinGen allele CA31000893.

ClinVar aggregate classification (germline): Uncertain significance. Review status: criteria provided, multiple submitters, no conflicts (2 of 4 stars). 3 submissions from 3 submitters: Uncertain significance (3). Last evaluated 2025-10-29.

Allele frequency attached by ClinVar (database versions not stated): gnomAD 0.00001; gnomAD exomes 0.00001; TOPMed 0.00001.
gnomAD v4.1: 19 of 1,613,972 alleles (0.0012%); highest among the groups gnomAD compares: Middle Eastern, 0.016%; no homozygotes.

Submissions (3):

Ambry Genetics
Classification: Uncertain significance. Last evaluated: 2025-10-29. Review status: criteria provided, single submitter. Criteria: Ambry Variant Classification Scheme 2023. Collection method: clinical testing. Allele origin: germline.

Labcorp Genetics (formerly Invitae), Labcorp
Classification: Uncertain significance. Last evaluated: 2025-03-17. Review status: criteria provided, single submitter. Criteria: Invitae Variant Classification Sherloc (09022015). Collection method: clinical testing. Allele origin: germline.
Comment: This sequence change replaces threonine, which is neutral and polar, with alanine, which is neutral and non-polar, at codon 390 of the SEMA4A protein (p.Thr390Ala). This variant is present in population databases (no rsID available, gnomAD 0.002%). This variant has not been reported in the literature in individuals affected with SEMA4A-related conditions. ClinVar contains an entry for this variant (Variation ID: 2281572). Invitae Evidence Modeling of protein sequence and biophysical properties (such as structural, functional, and spatial information, amino acid conservation, physicochemical variation, residue mobility, and thermodynamic stability) indicates that this missense variant is not expected to disrupt SEMA4A protein function with a negative predictive value of 80%. In summary, the available evidence is currently insufficient to determine the role of this variant in disease. Therefore, it has been classified as a Variant of Uncertain Significance.

Blueprint Genetics
Classification: Uncertain significance. Last evaluated: 2019-09-17. Review status: criteria provided, single submitter. Criteria: ACMG Guidelines, 2015. Collection method: clinical testing. Allele origin: germline.